The following is an entry in ClinVar:

ClinVar aggregate classification (germline): Pathogenic (1 of 4 stars; one submission).

Submission:

GeneDx
Classification: Pathogenic. Last evaluated: 2018-09-11. Review status: criteria provided, single submitter. Criteria: GeneDx Variant Classification (06012015). Collection method: clinical testing. Allele origin: germline. Affected: yes.
Comment: The S29X variant in the EBF3 gene has not been reported previously as a pathogenic variant nor as a benign variant, to our knowledge. This variant is predicted to cause loss of normal protein function either through protein truncation or nonsense-mediated mRNA decay. The S29X variant is not observed in large population cohorts (Lek et al., 2016). We interpret S29X as a pathogenic variant.

NM_001375380.1(EBF3):c.86C>A (p.Ser29Ter)

Gene: EBF3 (EBF transcription factor 3; minus strand). Cytogenetic location: 10q26.3.
Variant type: single nucleotide variant.
Coding change: c.86C>A on transcript NM_001375380.1 (MANE Select); coding-DNA position 86, C replaced by A.
Protein change: p.Ser29Ter; replaces serine 29 with a stop codon.
Molecular consequence: nonsense.
Genome position (GRCh38, 1-based): chr10:129,963,683, G>T on the plus strand (C>A on the coding strand, the complement: EBF3 is on the minus strand). VCF-style: chr10-129963683-G-T. GRCh37 (hg19) VCF-style: chr10-131761947-G-T.
Other names: c.86C>A, p.Ser29Ter (NM_001005463.3, NM_001375379.1, NM_001375389.1 and 3 more transcripts); short protein forms S29*.
Identifiers: ClinVar variation 620368 (VCV000620368.1), dbSNP rs778076484, ClinGen allele CA378911557.